The following is an entry in ClinVar:

ClinVar aggregate classification (germline): Uncertain significance. Review status: criteria provided, multiple submitters, no conflicts (2 of 4 stars). 2 submissions from 2 submitters: Uncertain significance (2). Last evaluated 2024-07-06.

Conditions:
Familial hypocalciuric hypercalcemia (FHH). Also called: Familial benign hypercalcemia. Identifiers: Orphanet 405, MedGen C1809471, MONDO:0018458.
Autosomal dominant hypocalcemia 1 (HYPOC1). Also called: HYPOCALCEMIA, FAMILIAL. Identifiers: MedGen C3715128, MONDO:0011013, OMIM 601198.
Nephrolithiasis/nephrocalcinosis. Identifiers: MedGen CN580796.

Allele frequency attached by ClinVar (database versions not stated): gnomAD exomes below 0.00001; gnomAD 0.00001; TOPMed 0.00001.
gnomAD v4.1: 6 of 1,614,090 alleles (0.00037%); highest among the groups gnomAD compares: African/African-American, 0.0027%; no homozygotes.

Submissions (2):

Ambry Genetics
Classification: Uncertain significance for Nephrolithiasis/nephrocalcinosis. Last evaluated: 2024-07-06. Review status: criteria provided, single submitter. Criteria: Ambry Variant Classification Scheme 2023. Collection method: clinical testing. Allele origin: germline.
Comment: The p.D382E variant (also known as c.1146C>G), located in coding exon 3 of the CASR gene, results from a C to G substitution at nucleotide position 1146. The aspartic acid at codon 382 is replaced by glutamic acid, an amino acid with highly similar properties. This amino acid position is poorly conserved in available vertebrate species. In addition, this alteration is predicted to be tolerated by in silico analysis. Based on the available evidence, the clinical significance of this variant remains unclear.

Labcorp Genetics (formerly Invitae), Labcorp
Classification: Uncertain significance for Familial hypocalciuric hypercalcemia; Autosomal dominant hypocalcemia 1. Last evaluated: 2022-11-25. Review status: criteria provided, single submitter. Criteria: Invitae Variant Classification Sherloc (09022015). Collection method: clinical testing. Allele origin: germline.
Comment: This sequence change replaces aspartic acid, which is acidic and polar, with glutamic acid, which is acidic and polar, at codon 382 of the CASR protein (p.Asp382Glu). This variant is present in population databases (no rsID available, gnomAD 0.004%). This variant has not been reported in the literature in individuals affected with CASR-related conditions. ClinVar contains an entry for this variant (Variation ID: 937846). Algorithms developed to predict the effect of missense changes on protein structure and function (SIFT, PolyPhen-2, Align-GVGD) all suggest that this variant is likely to be tolerated. In summary, the available evidence is currently insufficient to determine the role of this variant in disease. Therefore, it has been classified as a Variant of Uncertain Significance.

NM_000388.4(CASR):c.1146C>G (p.Asp382Glu)

Gene: CASR (calcium sensing receptor; plus strand). Cytogenetic location: 3q21.1.
Variant type: single nucleotide variant.
Coding change: c.1146C>G on transcript NM_000388.4 (MANE Select); coding-DNA position 1146, C replaced by G.
Protein change: p.Asp382Glu; replaces aspartic acid 382 with glutamic acid.
Molecular consequence: missense variant.
Genome position (GRCh38, 1-based): chr3:122,262,181, C>G. VCF-style: chr3-122262181-C-G. GRCh37 (hg19) VCF-style: chr3-121981028-C-G.
Other names: c.1146C>G, p.Asp382Glu (NM_001178065.2); short protein forms D382E.
Identifiers: ClinVar variation 937846 (VCV000937846.11), dbSNP rs1386553525, ClinGen allele CA354152689.